The following is an entry in ClinVar:

NM_021942.6(TRAPPC11):c.226A>G (p.Ile76Val)

Gene: TRAPPC11 (trafficking protein particle complex subunit 11; plus strand). Cytogenetic location: 4q35.1.
Variant type: single nucleotide variant.
Coding change: c.226A>G on transcript NM_021942.6 (MANE Select); coding-DNA position 226, A replaced by G.
Protein change: p.Ile76Val; replaces isoleucine 76 with valine.
Molecular consequence: missense variant.
Genome position (GRCh38, 1-based): chr4:183,666,278, A>G. VCF-style: chr4-183666278-A-G. GRCh37 (hg19) VCF-style: chr4-184587431-A-G.
Other names: c.226A>G, p.Ile76Val (NM_199053.3); short protein forms I76V.
Identifiers: ClinVar variation 1503639 (VCV001503639.8), dbSNP rs764982271, ClinGen allele CA3151537.

ClinVar aggregate classification (germline): Uncertain significance (1 of 4 stars; one submission).

Conditions:
Autosomal recessive limb-girdle muscular dystrophy type R18 (LGMDR18). Also called: MUSCULAR DYSTROPHY, LIMB-GIRDLE, AUTOSOMAL RECESSIVE 18; Autosomal recessive limb-girdle muscular dystrophy type 2S; Limb-girdle muscular dystrophy, type 2S. Identifiers: Orphanet 369840, MedGen C4517996, MONDO:0014144, OMIM 615356.

Allele frequency attached by ClinVar (database versions not stated): gnomAD exomes 0.00001 and 0.00002; ExAC 0.00002.

Submission:

Labcorp Genetics (formerly Invitae), Labcorp
Classification: Uncertain significance for Autosomal recessive limb-girdle muscular dystrophy type R18. Last evaluated: 2020-11-11. Review status: criteria provided, single submitter. Criteria: Invitae Variant Classification Sherloc (09022015). Collection method: clinical testing. Allele origin: germline.
Comment: In summary, the available evidence is currently insufficient to determine the role of this variant in disease. Therefore, it has been classified as a Variant of Uncertain Significance. Algorithms developed to predict the effect of sequence changes on RNA splicing suggest that this variant may create or strengthen a splice site, but this prediction has not been confirmed by published transcriptional studies. Algorithms developed to predict the effect of missense changes on protein structure and function (SIFT, PolyPhen-2, Align-GVGD) all suggest that this variant is likely to be tolerated, but these predictions have not been confirmed by published functional studies and their clinical significance is uncertain. This variant has not been reported in the literature in individuals with TRAPPC11-related conditions. This variant is present in population databases (rs764982271, ExAC 0.006%). This sequence change replaces isoleucine with valine at codon 76 of the TRAPPC11 protein (p.Ile76Val). The isoleucine residue is highly conserved and there is a small physicochemical difference between isoleucine and valine.